The following is an entry in ClinVar:

NM_032119.4(ADGRV1):c.6293T>C (p.Leu2098Pro)

Gene: ADGRV1 (adhesion G protein-coupled receptor V1; plus strand). Cytogenetic location: 5q14.3.
Variant type: single nucleotide variant.
Coding change: c.6293T>C on transcript NM_032119.4 (MANE Select); coding-DNA position 6293, T replaced by C.
Protein change: p.Leu2098Pro; replaces leucine 2098 with proline.
Molecular consequence: missense variant. On other transcripts: non-coding transcript variant (1).
Genome position (GRCh38, 1-based): chr5:90,685,798, T>C. VCF-style: chr5-90685798-T-C. GRCh37 (hg19) VCF-style: chr5-89981615-T-C.
Other names: short protein forms L2098P.
Identifiers: ClinVar variation 2502902 (VCV002502902.2), dbSNP rs2530843366, ClinGen allele CA360362790.

ClinVar aggregate classification (germline): Uncertain significance (1 of 4 stars; one submission).

Conditions:
Usher syndrome type 2C. Also called: USHER SYNDROME, TYPE IIC; Usher syndrome, type 2B. Identifiers: Orphanet 231178, Orphanet 886, MedGen C2931213, MONDO:0011558, OMIM 605472.

gnomAD v4.1: 1 of 1,609,058 alleles (0.000062%); highest among the groups gnomAD compares: South Asian, 0.0011%; no homozygotes.

Submission:

UAEU Genomics Laboratory, United Arab Emirates University
Classification: Uncertain significance for Usher syndrome type 2C. Last evaluated: 2022-01-03. Review status: criteria provided, single submitter. Criteria: ACMG Guidelines, 2015. Collection method: research. Allele origin: germline. Affected: yes. Observed: 1 variant allele.
Comment: The missense variant NM_032119.4(ADGRV1):c.6293T>C (p.Leu2098Pro) has not been reported previously as a pathogenic variant nor as a benign variant, to our knowledge. The p.Leu2098Pro variant is novel (not in any individuals) in gnomAD All. The p.Leu2098Pro variant is novel (not in any individuals) in 1kG All. There is a moderate physicochemical difference between leucine and proline. The p.Leu2098Pro missense variant is predicted to be damaging by both SIFT and PolyPhen2. The nucleotide c.6293 in ADGRV1 is predicted to be conserved by GERP++ and PhyloP across 100 vertebrates. For these reasons, this variant has been classified as a Variant of Uncertain Significance.